The following is an entry in ClinVar:

ClinVar aggregate classification (germline): Uncertain significance (1 of 4 stars; one submission).

gnomAD v4.1: 12 of 1,613,322 alleles (0.00074%); highest among the groups gnomAD compares: Non-Finnish European, 0.001%; no homozygotes.

Submission:

Labcorp Genetics (formerly Invitae), Labcorp
Classification: Uncertain significance. Last evaluated: 2024-05-31. Review status: criteria provided, single submitter. Criteria: Invitae Variant Classification Sherloc (09022015). Collection method: clinical testing. Allele origin: germline.
Comment: This sequence change replaces alanine, which is neutral and non-polar, with threonine, which is neutral and polar, at codon 1456 of the MYH7B protein (p.Ala1456Thr). This variant is not present in population databases (gnomAD no frequency). This variant has not been reported in the literature in individuals affected with MYH7B-related conditions. Advanced modeling of protein sequence and biophysical properties (such as structural, functional, and spatial information, amino acid conservation, physicochemical variation, residue mobility, and thermodynamic stability) performed at Invitae indicates that this missense variant is not expected to disrupt MYH7B protein function with a negative predictive value of 80%. In summary, the available evidence is currently insufficient to determine the role of this variant in disease. Therefore, it has been classified as a Variant of Uncertain Significance.

NM_020884.7(MYH7B):c.4240G>A (p.Ala1414Thr)

Gene: MYH7B (myosin heavy chain 7B; plus strand). Cytogenetic location: 20q11.22.
Variant type: single nucleotide variant.
Coding change: c.4240G>A on transcript NM_020884.7 (MANE Select); coding-DNA position 4240, G replaced by A.
Protein change: p.Ala1414Thr; replaces alanine 1414 with threonine.
Molecular consequence: missense variant.
Genome position (GRCh38, 1-based): chr20:34,999,105, G>A. VCF-style: chr20-34999105-G-A. GRCh37 (hg19) VCF-style: chr20-33586908-G-A.
Other names: short protein forms A1414T.
Identifiers: ClinVar variation 3606579 (VCV003606579.2).
Genomic context (GRCh38, chr20:34,999,105, plus strand): 5'-CCATGGCCTAGAAAAAAGCTGGCACTGCGGCTGCAGGAGGCAGAGGAGGGCGTGGAGGCT[G>A]CCAACGCCAAGTGCTCATCGTTGGAGAAGGCCAAGCTGCGGCTACAGACAGAGTCAGAGG-3'
Protein context (NP_065935.4, residues 1404-1424): LQEAEEGVEA[Ala1414Thr]NAKCSSLEKA